The following is an entry in ClinVar:

ClinVar aggregate classification (germline): Uncertain significance (1 of 4 stars; one submission).

Conditions:
Hereditary cancer-predisposing syndrome. Also called: Hereditary Cancer Syndrome; Hereditary neoplastic syndrome; Neoplastic Syndromes, Hereditary; Tumor predisposition. Identifiers: Orphanet 140162, MedGen C0027672, MeSH D009386, MONDO:0015356.

Submission:

Ambry Genetics
Classification: Uncertain significance for Hereditary cancer-predisposing syndrome. Last evaluated: 2024-07-14. Review status: criteria provided, single submitter. Criteria: Ambry Variant Classification Scheme 2023. Collection method: clinical testing. Allele origin: germline.
Comment: The p.K33T variant (also known as c.98A>C), located in coding exon 2 of the POLE gene, results from an A to C substitution at nucleotide position 98. The lysine at codon 33 is replaced by threonine, an amino acid with similar properties. This amino acid position is conserved. In addition, this alteration is predicted to be tolerated by in silico analysis. Since supporting evidence is limited at this time, the clinical significance of this alteration remains unclear.

NM_006231.4(POLE):c.98A>C (p.Lys33Thr)

Gene: POLE (DNA polymerase epsilon, catalytic subunit; minus strand). Cytogenetic location: 12q24.33.
Variant type: single nucleotide variant.
Coding change: c.98A>C on transcript NM_006231.4 (MANE Select); coding-DNA position 98, A replaced by C.
Protein change: p.Lys33Thr; replaces lysine 33 with threonine.
Molecular consequence: missense variant.
Genome position (GRCh38, 1-based): chr12:132,681,244, T>G on the plus strand (A>C on the coding strand, the complement: POLE is on the minus strand). VCF-style: chr12-132681244-T-G. GRCh37 (hg19) VCF-style: chr12-133257830-T-G.
Other names: short protein forms K33T.
Identifiers: ClinVar variation 1768530 (VCV001768530.3), dbSNP rs2043161391, ClinGen allele CA387370490.